The following is an entry in ClinVar:

ClinVar aggregate classification (germline): Likely benign. Review status: criteria provided, single submitter (1 of 4 stars). 2 submissions from 2 submitters: Likely benign (1). 1 of the submissions does not count toward it. Last evaluated 2017-08-21.

Conditions:
TCTN1-related disorder. Also called: TCTN1-related condition.

Allele frequency attached by ClinVar (database versions not stated): TOPMed 0.00002; gnomAD 0.00003; ExAC 0.00014; 1000 Genomes Project 30x 0.00016; 1000 Genomes Project 0.00020.
gnomAD v4.1: 88 of 1,101,120 alleles (0.008%); highest among the groups gnomAD compares: East Asian, 0.22%; no homozygotes.

Submissions (2):

Blueprint Genetics
Classification: Likely benign. Last evaluated: 2017-08-21. Review status: criteria provided, single submitter. Criteria: ACMG Guidelines, 2015. Collection method: clinical testing. Allele origin: germline.

PreventionGenetics, part of Exact Sciences
Classification: Likely benign for TCTN1-related condition. Last evaluated: 2019-07-17. Review status: no assertion criteria provided. Collection method: clinical testing. Allele origin: germline. Not counted in ClinVar's aggregate classification.
Comment: This variant is classified as likely benign based on ACMG/AMP sequence variant interpretation guidelines (Richards et al. 2015 PMID: 25741868, with internal and published modifications).

NM_001082538.3(TCTN1):c.624+122A>G

Gene: TCTN1 (tectonic family member 1; plus strand). Cytogenetic location: 12q24.11.
Variant type: single nucleotide variant.
Coding change: c.624+122A>G on transcript NM_001082538.3 (MANE Select); 122 bases into the intron after coding-DNA position 624, A replaced by G.
Molecular consequence: intron variant. On other transcripts: 3 prime UTR variant (1).
Genome position (GRCh38, 1-based): chr12:110,629,040, A>G. VCF-style: chr12-110629040-A-G. GRCh37 (hg19) VCF-style: chr12-111066845-A-G.
Other names: c.*8A>G (NM_001319682.3); c.456+122A>G (NM_001173975.3); c.444+122A>G (NM_001173976.2); c.90+122A>G (NM_001319681.2); c.624+122A>G (NM_024549.6, NM_001082537.3, NM_001319680.2).
Identifiers: ClinVar variation 3042806 (VCV003042806.3), dbSNP rs182419207, ClinGen allele CA6786637.
Genomic context (GRCh38, chr12:110,629,040, plus strand): 5'-TTTTCAAGGTTACCAGGAAAACTGGGTTCCTTGAGACAGAGTTGATATTATAGACTAAAA[A>G]ACTTAATGTTCATGCCTACAAATCAAAGATCATGAAAATTAAAACTGAATATTTGAAGAT-3'